The following is an entry in ClinVar:

ClinVar aggregate classification (germline): Uncertain significance. Review status: criteria provided, multiple submitters, no conflicts (2 of 4 stars). 2 submissions from 2 submitters: Uncertain significance (2). Last evaluated 2025-12-10.

Submissions (2):

Labcorp Genetics (formerly Invitae), Labcorp
Classification: Uncertain significance. Last evaluated: 2025-12-10. Review status: criteria provided, single submitter. Criteria: Invitae Variant Classification Sherloc (09022015). Collection method: clinical testing. Allele origin: germline.
Comment: This variant, c.215_217del, results in the deletion of 1 amino acid(s) of the CA4 protein (p.Phe72del), but otherwise preserves the integrity of the reading frame. This variant is present in population databases (rs765766754, gnomAD 0.007%). This variant has not been reported in the literature in individuals affected with CA4-related conditions. ClinVar contains an entry for this variant (Variation ID: 957704). Experimental studies and prediction algorithms are not available or were not evaluated, and the functional significance of this variant is currently unknown. In summary, the available evidence is currently insufficient to determine the role of this variant in disease. Therefore, it has been classified as a Variant of Uncertain Significance.

Breakthrough Genomics
Classification: Uncertain significance. Review status: criteria provided, single submitter. Criteria: ACMG Guidelines, 2015. Collection method: not provided. Allele origin: germline. Inheritance: Unknown mechanism. Affected: yes.

NM_000717.5(CA4):c.209TCT[2] (p.Phe72del)

Gene: CA4 (carbonic anhydrase 4; plus strand). Cytogenetic location: 17q23.1.
Variant type: Microsatellite.
Coding change: c.209TCT[2] on transcript NM_000717.5 (MANE Select); two copies in a row of the 3-base unit TCT starting at c.209; the reference has three copies in a row; one copy, 3 bases deleted.
Protein change: p.Phe72del; deletes phenylalanine 72.
Molecular consequence: inframe deletion. On other transcripts: non-coding transcript variant (1).
Genome position (GRCh38, 1-based): chr17:60,156,662-60,156,664, TCT deleted; deleting any 3 consecutive bases within chr17:60,156,654-60,156,664 gives the same sequence; the position shown is the placement nearest the transcript's 3' end. VCF-style (leftmost placement, unchanged base first): chr17-60156653-GCTT-G. GRCh37 (hg19) VCF-style: chr17-58234014-GCTT-G.
Other names: short protein forms F72del.
Identifiers: ClinVar variation 957704 (VCV000957704.8), dbSNP rs765766754, ClinGen allele CA8685264.